The following is an entry in ClinVar:

NM_152305.3(POGLUT1):c.836G>A (p.Arg279Gln)

Gene: POGLUT1 (protein O-glucosyltransferase 1; plus strand). Cytogenetic location: 3q13.33.
Variant type: single nucleotide variant.
Coding change: c.836G>A on transcript NM_152305.3 (MANE Select); coding-DNA position 836, G replaced by A.
Protein change: p.Arg279Gln; replaces arginine 279 with glutamine.
Molecular consequence: missense variant. On other transcripts: non-coding transcript variant (1).
Genome position (GRCh38, 1-based): chr3:119,490,589, G>A. VCF-style: chr3-119490589-G-A. GRCh37 (hg19) VCF-style: chr3-119209436-G-A.
Other names: R279Q; c.836G>A, p.Arg279Gln (NM_020231.3).
Identifiers: ClinVar variation 1708165 (VCV001708165.3), dbSNP rs986335602, ClinGen allele CA81703554.

ClinVar aggregate classification (germline): Uncertain significance. Review status: criteria provided, single submitter (1 of 4 stars). 2 submissions from 2 submitters: Uncertain significance (1). 1 of the submissions does not count toward it. Last evaluated 2024-07-19.

Conditions:
Autosomal recessive limb-girdle muscular dystrophy type 2R1 (LGMDR21). Also called: Muscular dystrophy, limb-girdle, type 2z; Autosomal recessive limb-girdle muscular dystrophy type 2Z. Identifiers: Orphanet 480682, MedGen C4310660, MONDO:0014977, OMIM 617232.

Allele frequency attached by ClinVar (database versions not stated): gnomAD 0.00001; gnomAD exomes 0.00001; TOPMed 0.00001.

Submissions (2):

Labcorp Genetics (formerly Invitae), Labcorp
Classification: Uncertain significance. Last evaluated: 2024-07-19. Review status: criteria provided, single submitter. Criteria: Invitae Variant Classification Sherloc (09022015). Collection method: clinical testing. Allele origin: germline.
Comment: This sequence change replaces arginine, which is basic and polar, with glutamine, which is neutral and polar, at codon 279 of the POGLUT1 protein (p.Arg279Gln). This variant is present in population databases (no rsID available, gnomAD 0.003%). This missense change has been observed in individual(s) with POGLUT1-related conditions (PMID: 30414910, 31897643). ClinVar contains an entry for this variant (Variation ID: 1708165). Advanced modeling of protein sequence and biophysical properties (such as structural, functional, and spatial information, amino acid conservation, physicochemical variation, residue mobility, and thermodynamic stability) performed at Invitae indicates that this missense variant is expected to disrupt POGLUT1 protein function with a positive predictive value of 80%. Experimental studies have shown that this missense change affects POGLUT1 function (PMID: 30414910). In summary, the available evidence is currently insufficient to determine the role of this variant in disease. Therefore, it has been classified as a Variant of Uncertain Significance.

OMIM
Classification: Pathogenic for MUSCULAR DYSTROPHY, LIMB-GIRDLE, AUTOSOMAL RECESSIVE 21. Last evaluated: 2022-10-04. Review status: no assertion criteria provided. Collection method: literature only. Allele origin: germline. Not counted in ClinVar's aggregate classification.

Literature cited by the submitters: PubMed 30414910 (cited by Labcorp Genetics (formerly Invitae), Labcorp); PubMed 31897643 (cited by Labcorp Genetics (formerly Invitae), Labcorp and OMIM).